The following is an entry in ClinVar:

NM_003873.7(NRP1):c.920G>T (p.Arg307Leu)

Gene: NRP1 (neuropilin 1; minus strand). Cytogenetic location: 10p11.22.
Variant type: single nucleotide variant.
Coding change: c.920G>T on transcript NM_003873.7 (MANE Select); coding-DNA position 920, G replaced by T.
Protein change: p.Arg307Leu; replaces arginine 307 with leucine.
Molecular consequence: missense variant. On other transcripts: non-coding transcript variant (1).
Genome position (GRCh38, 1-based): chr10:33,254,089, C>A on the plus strand (G>T on the coding strand, the complement: NRP1 is on the minus strand). VCF-style: chr10-33254089-C-A. GRCh37 (hg19) VCF-style: chr10-33543017-C-A.
Other names: c.920G>T, p.Arg307Leu (NM_001024628.3, NM_001024629.3, NM_001244972.2 and 2 more transcripts); short protein forms R307L.
Identifiers: ClinVar variation 2628890 (VCV002628890.2), dbSNP rs749859903, ClinGen allele CA5466835.

ClinVar aggregate classification (germline): Uncertain significance (0 of 4 stars; one submission).

Conditions:
NRP1-related disorder. Also called: NRP1-related condition.

Allele frequency attached by ClinVar (database versions not stated): ExAC 0.00004.
gnomAD v4.1: 6 of 1,613,946 alleles (0.00037%); highest among the groups gnomAD compares: Admixed American, 0.01%; no homozygotes.

Submission:

PreventionGenetics, part of Exact Sciences
Classification: Uncertain significance for NRP1-related condition. Last evaluated: 2024-06-03. Review status: no assertion criteria provided. Collection method: clinical testing. Allele origin: germline.
Comment: The NRP1 c.920G>T variant is predicted to result in the amino acid substitution p.Arg307Leu. To our knowledge, this variant has not been reported in the literature. This variant is reported in 0.017% of alleles in individuals of Latino descent in gnomAD. At this time, the clinical significance of this variant is uncertain due to the absence of conclusive functional and genetic evidence.